The following is an entry in ClinVar:

ClinVar aggregate classification (germline): Conflicting classifications of pathogenicity. Review status: criteria provided, conflicting classifications (1 of 4 stars). 3 submissions from 3 submitters: Uncertain significance (2); Likely benign (1). Last evaluated 2025-12-17.

Conditions:
Hereditary cancer-predisposing syndrome. Also called: Hereditary Cancer Syndrome; Hereditary neoplastic syndrome; Neoplastic Syndromes, Hereditary; Tumor predisposition. Identifiers: Orphanet 140162, MedGen C0027672, MeSH D009386, MONDO:0015356.
Hereditary breast ovarian cancer syndrome. Also called: Hereditary breast and ovarian cancer syndrome; Hereditary breast and ovarian cancer; Breast and ovarian cancer; BRCA1- and BRCA2-Associated Hereditary Breast and Ovarian Cancer; Hereditary breast and/or ovarian cancer syndrome; Hereditary breast and ovarian cancer syndrome (HBOC). Identifiers: Orphanet 145, MedGen C0677776, MeSH D061325, MONDO:0003582. Disease mechanism: loss of function.

Submissions (3):

Labcorp Genetics (formerly Invitae), Labcorp
Classification: Uncertain significance for Hereditary breast ovarian cancer syndrome. Last evaluated: 2025-12-17. Review status: criteria provided, single submitter. Criteria: Invitae Variant Classification Sherloc (09022015). Collection method: clinical testing. Allele origin: germline.
Comment: This sequence change falls in intron 10 of the BRCA2 gene. It does not directly change the encoded amino acid sequence of the BRCA2 protein. It affects a nucleotide within the consensus splice site. This variant is not present in population databases (gnomAD no frequency). This variant has not been reported in the literature in individuals affected with BRCA2-related conditions. ClinVar contains an entry for this variant (Variation ID: 385948). Variants that disrupt the consensus splice site are a relatively common cause of aberrant splicing (PMID: 17576681, 9536098). Algorithms developed to predict the effect of sequence changes on RNA splicing suggest that this variant is not likely to affect RNA splicing. In summary, the available evidence is currently insufficient to determine the role of this variant in disease. Therefore, it has been classified as a Variant of Uncertain Significance.

Color Diagnostics, LLC DBA Color Health
Classification: Uncertain significance for Hereditary cancer-predisposing syndrome. Last evaluated: 2020-10-30. Review status: criteria provided, single submitter. Criteria: ACMG Guidelines, 2015. Collection method: clinical testing. Allele origin: germline.
Comment: This variant causes a T to A nucleotide substitution at the +6 position of intron 10 of the BRCA2 gene. To our knowledge, functional studies have not been reported for this variant. This variant has not been reported in individuals affected with hereditary cancer in the literature. This variant has not been identified in the general population by the Genome Aggregation Database (gnomAD). The available evidence is insufficient to determine the role of this variant in disease conclusively. Therefore, this variant is classified as a Variant of Uncertain Significance.

GeneDx
Classification: Likely benign. Last evaluated: 2016-05-11. Review status: criteria provided, single submitter. Criteria: GeneDx Variant Classification (06012015). Collection method: clinical testing. Allele origin: germline. Affected: yes.
Comment: This variant is considered likely benign or benign based on one or more of the following criteria: it is a conservative change, it occurs at a poorly conserved position in the protein, it is predicted to be benign by multiple in silico algorithms, and/or has population frequency not consistent with disease.

Literature cited by the submitters: PubMed 17576681 (cited by Labcorp Genetics (formerly Invitae), Labcorp); PubMed 9536098 (cited by Labcorp Genetics (formerly Invitae), Labcorp).

NM_000059.4(BRCA2):c.1909+6T>A

Gene: BRCA2 (BRCA2 DNA repair associated; plus strand). Cytogenetic location: 13q13.1.
Variant type: single nucleotide variant.
Coding change: c.1909+6T>A on transcript NM_000059.4 (MANE Select); 6 bases into the intron after coding-DNA position 1909, T replaced by A.
Molecular consequence: intron variant.
Genome position (GRCh38, 1-based): chr13:32,333,393, T>A. VCF-style: chr13-32333393-T-A. GRCh37 (hg19) VCF-style: chr13-32907530-T-A.
Identifiers: ClinVar variation 385948 (VCV000385948.13), dbSNP rs1057522382, ClinGen allele CA16606419.